The following is an entry in ClinVar:

NM_001875.5(CPS1):c.2975T>C (p.Phe992Ser)

Gene: CPS1 (carbamoyl-phosphate synthase 1; plus strand). Cytogenetic location: 2q34.
Variant type: single nucleotide variant.
Coding change: c.2975T>C on transcript NM_001875.5 (MANE Select); coding-DNA position 2975, T replaced by C.
Protein change: p.Phe992Ser; replaces phenylalanine 992 with serine.
Molecular consequence: missense variant. On other transcripts: non-coding transcript variant (2).
Genome position (GRCh38, 1-based): chr2:210,642,499, T>C. VCF-style: chr2-210642499-T-C. GRCh37 (hg19) VCF-style: chr2-211507223-T-C.
Other names: c.2975T>C, p.Phe992Ser (NM_001122633.3, NM_001369257.1); c.3008T>C, p.Phe1003Ser (NM_001369256.1); short protein forms F1003S, F992S.
Identifiers: ClinVar variation 2203252 (VCV002203252.5), dbSNP rs990390709, ClinGen allele CA64725380.

ClinVar aggregate classification (germline): Uncertain significance. Review status: criteria provided, multiple submitters, no conflicts (2 of 4 stars). 2 submissions from 2 submitters: Uncertain significance (2). Last evaluated 2024-04-25.

Conditions:
Congenital hyperammonemia, type I. Also called: Carbamoyl phosphate synthetase 1 deficiency; Hyperammonemia due to carbamoyl phosphate synthetase 1 deficiency; CPS 1 deficiency; Carbamyl phosphate synthetase (CPS) deficiency; Carbamoyl-phosphate synthase I deficiency; CPS I DEFICIENCY. Identifiers: Orphanet 147, MedGen C4082171, MONDO:0009376, OMIM 237300.

gnomAD v4.1: 1 of 1,613,962 alleles (0.000062%); highest among the groups gnomAD compares: Non-Finnish European, 0.000085%; no homozygotes.

Submissions (2):

Labcorp Genetics (formerly Invitae), Labcorp
Classification: Uncertain significance for Congenital hyperammonemia, type I. Last evaluated: 2024-04-25. Review status: criteria provided, single submitter. Criteria: Invitae Variant Classification Sherloc (09022015). Collection method: clinical testing. Allele origin: germline.
Comment: This sequence change replaces phenylalanine, which is neutral and non-polar, with serine, which is neutral and polar, at codon 992 of the CPS1 protein (p.Phe992Ser). This variant is not present in population databases (gnomAD no frequency). This missense change has been observed in individual(s) with carbamoyl phosphate synthetase I deficiency (PMID: 21120950). ClinVar contains an entry for this variant (Variation ID: 2203252). Advanced modeling of protein sequence and biophysical properties (such as structural, functional, and spatial information, amino acid conservation, physicochemical variation, residue mobility, and thermodynamic stability) performed at Invitae indicates that this missense variant is expected to disrupt CPS1 protein function with a positive predictive value of 95%. In summary, the available evidence is currently insufficient to determine the role of this variant in disease. Therefore, it has been classified as a Variant of Uncertain Significance.

Women's Health and Genetics/Laboratory Corporation of America, LabCorp
Classification: Uncertain significance. Last evaluated: 2023-07-26. Review status: criteria provided, single submitter. Criteria: LabCorp Variant Classification Summary - May 2015. Collection method: clinical testing. Allele origin: germline.
Comment: Variant summary: CPS1 c.2975T>C (p.Phe992Ser) results in a non-conservative amino acid change in the encoded protein sequence. Five of five in-silico tools predict a damaging effect of the variant on protein function. The variant was absent in 251170 control chromosomes. The available data on variant occurrences in the general population are insufficient to allow any conclusion about variant significance. c.2975T>C has been reported in the literature in at least one individual affected with Carbamoylphosphate Synthetase I Deficiency, without specifying a genotype or zygosity (e.g. Haberle_2011). These report(s) do not provide unequivocal conclusions about association of the variant with Carbamoylphosphate Synthetase I Deficiency. To our knowledge, no experimental evidence demonstrating an impact on protein function has been reported. The following publication has been ascertained in the context of this evaluation (PMID: 21120950). One submitter has cited clinical-significance assessments for this variant to ClinVar after 2014 and has classified the variant as uncertain significance. Based on the evidence outlined above, the variant was classified as uncertain significance.

Literature cited by the submitters: PubMed 21120950 (cited by Labcorp Genetics (formerly Invitae), Labcorp and Women's Health and Genetics/Laboratory Corporation of America, LabCorp).